The following is an entry in ClinVar:

NM_000188.3(HK1):c.324G>T (p.Glu108Asp)

Gene: HK1 (hexokinase 1; plus strand). Cytogenetic location: 10q22.1.
Variant type: single nucleotide variant.
Coding change: c.324G>T on transcript NM_000188.3 (MANE Select); coding-DNA position 324, G replaced by T.
Protein change: p.Glu108Asp; replaces glutamic acid 108 with aspartic acid.
Molecular consequence: missense variant.
Genome position (GRCh38, 1-based): chr10:69,359,994, G>T. VCF-style: chr10-69359994-G-T. GRCh37 (hg19) VCF-style: chr10-71119750-G-T.
Other names: c.336G>T, p.Glu112Asp (NM_033497.3, NM_033498.3, NM_001322364.2 and 1 more transcripts); c.288G>T, p.Glu96Asp (NM_033500.2); c.429G>T, p.Glu143Asp (NM_001322365.2); c.240G>T, p.Glu80Asp (NM_001322366.1); c.324G>T, p.Glu108Asp (NM_001322367.1); c.321G>T, p.Glu107Asp (NM_033496.3); short protein forms E80D, E96D, E108D, E112D, E107D, E143D.
Identifiers: ClinVar variation 2812808 (VCV002812808.3), dbSNP rs1849332746, ClinGen allele CA376911060.

ClinVar aggregate classification (germline): Uncertain significance (1 of 4 stars; one submission).

Allele frequency attached by ClinVar (database versions not stated): TOPMed below 0.00001.
gnomAD v4.1: 2 of 1,614,216 alleles (0.00012%); highest among the groups gnomAD compares: Non-Finnish European, 0.00017%; no homozygotes.

Submission:

Labcorp Genetics (formerly Invitae), Labcorp
Classification: Uncertain significance. Last evaluated: 2025-02-03. Review status: criteria provided, single submitter. Criteria: Invitae Variant Classification Sherloc (09022015). Collection method: clinical testing. Allele origin: germline.
Comment: This sequence change replaces glutamic acid, which is acidic and polar, with aspartic acid, which is acidic and polar, at codon 108 of the HK1 protein (p.Glu108Asp). This variant is not present in population databases (gnomAD no frequency). This variant has not been reported in the literature in individuals affected with HK1-related conditions. ClinVar contains an entry for this variant (Variation ID: 2812808). Invitae Evidence Modeling of protein sequence and biophysical properties (such as structural, functional, and spatial information, amino acid conservation, physicochemical variation, residue mobility, and thermodynamic stability) indicates that this missense variant is not expected to disrupt HK1 protein function with a negative predictive value of 80%. In summary, the available evidence is currently insufficient to determine the role of this variant in disease. Therefore, it has been classified as a Variant of Uncertain Significance.